The following is an entry in ClinVar:

ClinVar aggregate classification (germline): Uncertain significance (1 of 4 stars; one submission).

Submission:

Labcorp Genetics (formerly Invitae), Labcorp
Classification: Uncertain significance. Last evaluated: 2022-03-09. Review status: criteria provided, single submitter. Criteria: Invitae Variant Classification Sherloc (09022015). Collection method: clinical testing. Allele origin: germline.
Comment: Algorithms developed to predict the effect of missense changes on protein structure and function are either unavailable or do not agree on the potential impact of this missense change (SIFT: "Deleterious"; PolyPhen-2: "Probably Damaging"; Align-GVGD: "Class C0"). In summary, the available evidence is currently insufficient to determine the role of this variant in disease. Therefore, it has been classified as a Variant of Uncertain Significance. This variant has not been reported in the literature in individuals affected with DTHD1-related conditions. This sequence change replaces isoleucine, which is neutral and non-polar, with serine, which is neutral and polar, at codon 89 of the DTHD1 protein (p.Ile89Ser). This variant is not present in population databases (gnomAD no frequency).

NM_001170700.3(DTHD1):c.1136T>G (p.Ile379Ser)

Gene: DTHD1 (death domain containing 1; plus strand). Cytogenetic location: 4p14.
Variant type: single nucleotide variant.
Coding change: c.1136T>G on transcript NM_001170700.3 (MANE Select); coding-DNA position 1136, T replaced by G.
Protein change: p.Ile379Ser; replaces isoleucine 379 with serine.
Molecular consequence: missense variant. On other transcripts: non-coding transcript variant (2).
Genome position (GRCh38, 1-based): chr4:36,290,621, T>G. VCF-style: chr4-36290621-T-G. GRCh37 (hg19) VCF-style: chr4-36292243-T-G.
Other names: c.266T>G, p.Ile89Ser (NM_001136536.5, NM_001378435.1); short protein forms I379S, I89S.
Identifiers: ClinVar variation 1384986 (VCV001384986.6), dbSNP rs1031127454, ClinGen allele CA95767494.
Genomic context (GRCh38, chr4:36,290,621, plus strand): 5'-CATTTCCAATAGGCATTGCAATTCCATTTACTGCACGTTACAGAGGAAATTACAGAGATA[T>G]CATGGTGAAAGTGTGTGACATAAACCTTCAATCAAGTTACCTAAACCCAAATTCACTAGA-3'
Protein context (NP_001164171.2, residues 369-389): TARYRGNYRD[Ile379Ser]MVKVCDINLQ